The following is an entry in ClinVar:

NM_005612.5(REST):c.53G>A (p.Ser18Asn)

Gene: REST (RE1 silencing transcription factor; plus strand). Cytogenetic location: 4q12.
Variant type: single nucleotide variant.
Coding change: c.53G>A on transcript NM_005612.5 (MANE Select); coding-DNA position 53, G replaced by A.
Protein change: p.Ser18Asn; replaces serine 18 with asparagine.
Molecular consequence: missense variant.
Genome position (GRCh38, 1-based): chr4:56,910,691, G>A. VCF-style: chr4-56910691-G-A. GRCh37 (hg19) VCF-style: chr4-57776857-G-A.
Other names: c.53G>A, p.Ser18Asn (NM_001193508.2, NM_001363453.3); short protein forms S18N.
Identifiers: ClinVar variation 3621022 (VCV003621022.2).
Genomic context (GRCh38, chr4:56,910,691, plus strand): 5'-ATACAGTTATGGCCACCCAGGTAATGGGGCAGTCTTCTGGAGGAGGAGGGCTGTTTACCA[G>A]CAGTGGCAACATTGGAATGGCCCTGCCTAACGACATGTATGACTTGCATGACCTTTCCAA-3'
Protein context (NP_005603.3, residues 8-28): QSSGGGGLFT[Ser18Asn]SGNIGMALPN

ClinVar aggregate classification (germline): Uncertain significance (1 of 4 stars; one submission).

Submission:

Labcorp Genetics (formerly Invitae), Labcorp
Classification: Uncertain significance. Last evaluated: 2024-07-05. Review status: criteria provided, single submitter. Criteria: Invitae Variant Classification Sherloc (09022015). Collection method: clinical testing. Allele origin: germline.
Comment: This sequence change replaces serine, which is neutral and polar, with asparagine, which is neutral and polar, at codon 18 of the REST protein (p.Ser18Asn). This variant is not present in population databases (gnomAD no frequency). This variant has not been reported in the literature in individuals affected with REST-related conditions. Algorithms developed to predict the effect of missense changes on protein structure and function output the following: SIFT: "Not Available"; PolyPhen-2: "Benign"; Align-GVGD: "Not Available". The asparagine amino acid residue is found in multiple mammalian species, which suggests that this missense change does not adversely affect protein function. In summary, the available evidence is currently insufficient to determine the role of this variant in disease. Therefore, it has been classified as a Variant of Uncertain Significance.